The following is an entry in ClinVar:

ClinVar aggregate classification (germline): Uncertain significance. Review status: criteria provided, multiple submitters, no conflicts (2 of 4 stars). 2 submissions from 2 submitters: Uncertain significance (2). Last evaluated 2024-10-24.

Conditions:
Neuronal ceroid lipofuscinosis. Also called: Neuronal Ceroid Lipofuscinoses. Identifiers: Orphanet 216, Orphanet 79263, MedGen C0027877, MONDO:0016295. Disease mechanism: loss of function.

Allele frequency attached by ClinVar (database versions not stated): gnomAD exomes below 0.00001 and 0.00001; ExAC 0.00001; TOPMed 0.00003; gnomAD 0.00007.
gnomAD v4.1: 21 of 1,613,132 alleles (0.0013%); highest among the groups gnomAD compares: African/African-American, 0.017%; no homozygotes.

Submissions (2):

Labcorp Genetics (formerly Invitae), Labcorp
Classification: Uncertain significance for Neuronal ceroid lipofuscinosis. Last evaluated: 2024-10-24. Review status: criteria provided, single submitter. Criteria: Invitae Variant Classification Sherloc (09022015). Collection method: clinical testing. Allele origin: germline.
Comment: This sequence change replaces proline, which is neutral and non-polar, with serine, which is neutral and polar, at codon 286 of the CLN8 protein (p.Pro286Ser). This variant is present in population databases (rs759475160, gnomAD 0.008%). This variant has not been reported in the literature in individuals affected with CLN8-related conditions. ClinVar contains an entry for this variant (Variation ID: 1374694). Invitae Evidence Modeling of protein sequence and biophysical properties (such as structural, functional, and spatial information, amino acid conservation, physicochemical variation, residue mobility, and thermodynamic stability) indicates that this missense variant is not expected to disrupt CLN8 protein function with a negative predictive value of 95%. In summary, the available evidence is currently insufficient to determine the role of this variant in disease. Therefore, it has been classified as a Variant of Uncertain Significance.

Revvity Omics, Revvity
Classification: Uncertain significance. Last evaluated: 2019-01-09. Review status: criteria provided, single submitter. Criteria: ACMG Guidelines, 2015. Collection method: clinical testing. Allele origin: germline.

NM_018941.4(CLN8):c.856C>T (p.Pro286Ser)

Gene: CLN8 (CLN8 transmembrane ER and ERGIC protein; plus strand). Cytogenetic location: 8p23.3.
Variant type: single nucleotide variant.
Coding change: c.856C>T on transcript NM_018941.4 (MANE Select); coding-DNA position 856, C replaced by T.
Protein change: p.Pro286Ser; replaces proline 286 with serine.
Molecular consequence: missense variant.
Genome position (GRCh38, 1-based): chr8:1,780,562, C>T. VCF-style: chr8-1780562-C-T. GRCh37 (hg19) VCF-style: chr8-1728728-C-T.
Other names: c.856C>T (NM_018941.3); short protein forms P286S.
Identifiers: ClinVar variation 1374694 (VCV001374694.9), dbSNP rs759475160, ClinGen allele CA4599369.
Genomic context (GRCh38, chr8:1,780,562, plus strand): 5'-GCACAGCCAGAAGCCAAGAGCAGGCCAGAAGGCAACGGGCAGCTGCTGCGGAAGAAGAGG[C>T]CATAGCTGCTCCAGCCGGGGCTCCGGGGCGGCAGCAGAGCTGGCACACCGATTCTGGGAA-3'
Protein context (NP_061764.2, residues 276-286): GNGQLLRKKR[Pro286Ser]